The following is an entry in ClinVar:

NM_001572.5(IRF7):c.1238-5_1238-3del

Gene: IRF7 (interferon regulatory factor 7; minus strand). Cytogenetic location: 11p15.5.
Variant type: Microsatellite.
Coding change: c.1238-5_1238-3del on transcript NM_001572.5 (MANE Select); 5 bases into the intron before coding-DNA position 1238 through 3 bases into the intron before coding-DNA position 1238, 3 bases deleted (TTC; older notation c.1238-5_1238-3delTTC).
Molecular consequence: intron variant.
Genome position (GRCh38, 1-based): chr11:613,120-613,122, GAA deleted on the plus strand (TTC on the coding strand, the reverse complement: IRF7 is on the minus strand); deleting any 3 consecutive bases within chr11:613,120-613,126 gives the same sequence; the c. name uses the placement nearest the transcript's 3' end. VCF-style (leftmost placement, unchanged base first): chr11-613119-TGAA-T. GRCh37 (hg19) VCF-style: chr11-613119-TGAA-T.
Other names: c.866-5_866-3del (NM_001440446.1); c.1148-5_1148-3del (NM_001440445.1); c.1235-5_1235-3del (NM_001440442.1); c.1151-5_1151-3del (NM_004029.4); c.1274-5_1274-3del (NM_001440440.1); c.1190-5_1190-3del (NM_001440444.1); c.1277-5_1277-3del (NM_004031.4).
Identifiers: ClinVar variation 4806705 (VCV004806705.1).

ClinVar aggregate classification (germline): Uncertain significance (1 of 4 stars; one submission).

Conditions:
Immunodeficiency 39 (IMD39). Identifiers: Orphanet 574918, MedGen C4225358, MONDO:0014597, OMIM 616345.

Submission:

Labcorp Genetics (formerly Invitae), Labcorp
Classification: Uncertain significance for Immunodeficiency 39. Last evaluated: 2025-04-22. Review status: criteria provided, single submitter. Criteria: Invitae Variant Classification Sherloc (09022015). Collection method: clinical testing. Allele origin: germline.
Comment: This sequence change falls in intron 7 of the IRF7 gene. It does not directly change the encoded amino acid sequence of the IRF7 protein. This variant is not present in population databases (gnomAD no frequency). This variant has not been reported in the literature in individuals affected with IRF7-related conditions. Algorithms developed to predict the effect of sequence changes on RNA splicing suggest that this variant may disrupt the consensus splice site. In summary, the available evidence is currently insufficient to determine the role of this variant in disease. Therefore, it has been classified as a Variant of Uncertain Significance.